The following is an entry in ClinVar:

ClinVar aggregate classification (germline): Likely benign (1 of 4 stars; one submission).

Allele frequency attached by ClinVar (database versions not stated): TOPMed 0.00004; gnomAD 0.00007; ExAC 0.00010.

Submission:

CeGaT Center for Human Genetics Tuebingen
Classification: Likely benign. Last evaluated: 2023-07-01. Review status: criteria provided, single submitter. Criteria: CeGaT Center For Human Genetics Tuebingen Variant Classification Criteria Version 2. Collection method: clinical testing. Allele origin: germline. Affected: yes. Observed: 1 variant allele.
Comment: PTPRF: BP4, BP7

NM_002840.5(PTPRF):c.78C>T (p.Gly26=)

Gene: PTPRF (protein tyrosine phosphatase receptor type F; plus strand). Cytogenetic location: 1p34.2.
Variant type: single nucleotide variant.
Coding change: c.78C>T on transcript NM_002840.5 (MANE Select); coding-DNA position 78, C replaced by T.
Protein change: p.Gly26=; no amino-acid change (glycine 26 retained).
Molecular consequence: synonymous variant.
Genome position (GRCh38, 1-based): chr1:43,545,153, C>T. VCF-style: chr1-43545153-C-T. GRCh37 (hg19) VCF-style: chr1-44010824-C-T.
Other names: c.78C>T, p.Gly26= (NM_001329137.2, NM_001329138.2, NM_001329139.2 and 2 more transcripts).
Identifiers: ClinVar variation 2638758 (VCV002638758.24), dbSNP rs201337870, ClinGen allele CA811686.